The following is an entry in ClinVar:

ClinVar aggregate classification (germline): Likely benign (1 of 4 stars; one submission).

Submission:

CeGaT Center for Human Genetics Tuebingen
Classification: Likely benign. Last evaluated: 2026-06-01. Review status: criteria provided, single submitter. Criteria: CeGaT Center For Human Genetics Tuebingen Variant Classification Criteria Version 2. Collection method: clinical testing. Allele origin: germline. Affected: yes. Observed: 1 variant allele.
Comment: TTN: PM2:Supporting, BP4, BP7

NM_001267550.2(TTN):c.78456T>A (p.Gly26152=)

Genes: TTN (titin; minus strand), TTN-AS1 (TTN antisense RNA 1; plus strand). Cytogenetic location: 2q31.2.
Variant type: single nucleotide variant.
Coding change: c.78456T>A on transcript NM_001267550.2 (MANE Select); coding-DNA position 78456, T replaced by A.
Protein change: p.Gly26152=; no amino-acid change (glycine 26152 retained).
Molecular consequence: synonymous variant.
Genome position (GRCh38, 1-based): chr2:178,567,676, A>T on the plus strand (T>A on the coding strand, the complement: TTN is on the minus strand). VCF-style: chr2-178567676-A-T. GRCh37 (hg19) VCF-style: chr2-179432403-A-T.
Other names: c.73533T>A, p.Gly24511= (NM_001256850.1); c.51261T>A, p.Gly17087= (NM_003319.4); c.70752T>A, p.Gly23584= (NM_133378.4); c.51636T>A, p.Gly17212= (NM_133432.3); c.51837T>A, p.Gly17279= (NM_133437.4).
Identifiers: ClinVar variation 4875203 (VCV004875203.2).